The following is an entry in ClinVar:

ClinVar aggregate classification (germline): Uncertain significance (1 of 4 stars; one submission).

Conditions:
Hereditary cancer-predisposing syndrome. Also called: Neoplastic Syndromes, Hereditary; Tumor predisposition; Hereditary neoplastic syndrome; Hereditary Cancer Syndrome. Identifiers: Orphanet 140162, MedGen C0027672, MeSH D009386, MONDO:0015356.

Submission:

Ambry Genetics
Classification: Uncertain significance for Hereditary cancer-predisposing syndrome. Last evaluated: 2026-06-18. Review status: criteria provided, single submitter. Criteria: Ambry Variant Classification Scheme 2023. Collection method: clinical testing. Allele origin: germline.
Comment: The c.837_839delGAA variant (also known as p.K279del) is located in coding exon 2 of the HOXB13 gene. This variant results from an in-frame GAA deletion at nucleotide positions 837 to 839. This results in the in-frame deletion of a lysine at codon 279. This amino acid position is highly conserved in available vertebrate species. In addition, the in silico prediction for this variant is inconclusive (Choi Y et al. PLoS ONE. 2012; 7(10):e46688). Based on the available evidence, the clinical significance of this variant remains unclear.

NM_006361.6(HOXB13):c.834GAA[1] (p.Lys279del)

Gene: HOXB13 (homeobox B13; minus strand). Cytogenetic location: 17q21.32.
Variant type: Microsatellite.
Coding change: c.834GAA[1] on transcript NM_006361.6 (MANE Select); one copy of the 3-base unit GAA starting at c.834; the reference has two copies in a row; one copy, 3 bases deleted.
Protein change: p.Lys279del; deletes lysine 279.
Molecular consequence: inframe indel (on NM_006361.5).
Genome position (GRCh38, 1-based): chr17:48,726,806-48,726,808, TTC deleted on the plus strand (GAA on the coding strand, the reverse complement: HOXB13 is on the minus strand); deleting any 3 consecutive bases within chr17:48,726,806-48,726,811 gives the same sequence; the position shown is the placement nearest the transcript's 3' end. VCF-style (leftmost placement, unchanged base first): chr17-48726805-GTTC-G. GRCh37 (hg19) VCF-style: chr17-46804167-GTTC-G.
Other names: c.837_839delGAA (NM_006361.5); c.834_836GAA[1], p.Lys279del (NM_006361.5); short protein forms K279del.
Identifiers: ClinVar variation 5022696 (VCV005022696.1).